The following is an entry in ClinVar:

ClinVar aggregate classification (germline): Conflicting classifications of pathogenicity. Review status: criteria provided, conflicting classifications (1 of 4 stars). 3 submissions from 3 submitters: Uncertain significance (2); Likely benign (1). Last evaluated 2025-10-12.

Conditions:
EGFR-related disorder. Also called: EGFR-related condition.
Hereditary cancer-predisposing syndrome. Also called: Neoplastic Syndromes, Hereditary; Hereditary Cancer Syndrome; Tumor predisposition; Hereditary neoplastic syndrome. Identifiers: Orphanet 140162, MedGen C0027672, MeSH D009386, MONDO:0015356.
EGFR-related lung cancer (EGFR). Identifiers: MedGen CN130014.

Allele frequency attached by ClinVar (database versions not stated): gnomAD exomes below 0.00001 and 0.00002; gnomAD 0.00001; TOPMed 0.00002.
gnomAD v4.1: 12 of 1,613,356 alleles (0.00074%); highest among the groups gnomAD compares: African/African-American, 0.0013%; no homozygotes.

Submissions (3):

PreventionGenetics, part of Exact Sciences
Classification: Uncertain significance for EGFR-related condition. Last evaluated: 2025-10-12. Review status: criteria provided, single submitter. Criteria: ACMG Guidelines, 2015. Collection method: clinical testing. Allele origin: germline.
Comment: The EGFR c.3238G>A variant is predicted to result in the amino acid substitution p.Asp1080Asn. This variant has been reported with uncertain significance in the germline of an individual with adrenocortical carcinoma (Akhavanfard et al. 2021. PubMed ID: 33326033). This variant is reported in 0.0016% of alleles in individuals of European (Non-Finnish) descent in gnomAD. At this time, the clinical significance of this variant is uncertain due to the absence of conclusive functional and genetic evidence.

Labcorp Genetics (formerly Invitae), Labcorp
Classification: Uncertain significance for EGFR-related lung cancer. Last evaluated: 2024-11-28. Review status: criteria provided, single submitter. Criteria: Invitae Variant Classification Sherloc (09022015). Collection method: clinical testing. Allele origin: germline.
Comment: This sequence change replaces aspartic acid, which is acidic and polar, with asparagine, which is neutral and polar, at codon 1080 of the EGFR protein (p.Asp1080Asn). The frequency data for this variant in the population databases is considered unreliable, as metrics indicate poor data quality at this position in the gnomAD database. This missense change has been observed in individual(s) with adrenocortical carcinoma (PMID: 33326033). ClinVar contains an entry for this variant (Variation ID: 849185). An algorithm developed to predict the effect of missense changes on protein structure and function (PolyPhen-2) suggests that this variant is likely to be disruptive. Experimental studies are conflicting or provide insufficient evidence to determine the effect of this variant on EGFR function (PMID: 33326033). In summary, the available evidence is currently insufficient to determine the role of this variant in disease. Therefore, it has been classified as a Variant of Uncertain Significance.

Ambry Genetics
Classification: Likely benign for Hereditary cancer-predisposing syndrome. Last evaluated: 2024-10-17. Review status: criteria provided, single submitter. Criteria: Ambry Variant Classification Scheme 2023. Collection method: clinical testing. Allele origin: germline.

Literature cited by the submitters: PubMed 33326033 (cited by Labcorp Genetics (formerly Invitae), Labcorp).

NM_005228.5(EGFR):c.3238G>A (p.Asp1080Asn)

Gene: EGFR (epidermal growth factor receptor; plus strand). Cytogenetic location: 7p11.2.
Variant type: single nucleotide variant.
Coding change: c.3238G>A on transcript NM_005228.5 (MANE Select); coding-DNA position 3238, G replaced by A.
Protein change: p.Asp1080Asn; replaces aspartic acid 1080 with asparagine.
Molecular consequence: missense variant.
Genome position (GRCh38, 1-based): chr7:55,202,592, G>A. VCF-style: chr7-55202592-G-A. GRCh37 (hg19) VCF-style: chr7-55270285-G-A.
Other names: c.3238G>A (NM_005228.4); c.3103G>A, p.Asp1035Asn (NM_001346897.2, NM_001346899.2); c.3238G>A, p.Asp1080Asn (NM_001346898.2); c.3079G>A, p.Asp1027Asn (NM_001346900.2); c.2437G>A, p.Asp813Asn (NM_001346941.2); short protein forms D1027N, D1035N, D813N, D1080N.
Identifiers: ClinVar variation 849185 (VCV000849185.8), dbSNP rs1023185448, ClinGen allele CA158938595.
Genomic context (GRCh38, chr7:55,202,592, plus strand): 5'-ATCAAGGAAGACAGCTTCTTGCAGCGATACAGCTCAGACCCCACAGGCGCCTTGACTGAG[G>A]ACAGCATAGACGACACCTTCCTCCCAGTGCCTGGTGAGTGGCTTGTCTGGAAACAGTCCT-3'
Protein context (NP_005219.2, residues 1070-1090): SSDPTGALTE[Asp1080Asn]SIDDTFLPVP